The following is an entry in ClinVar:

NM_002971.6(SATB1):c.1801CAG[9] (p.Gln607_Ala608insGlnGln)

Gene: SATB1 (SATB homeobox 1; minus strand). Cytogenetic location: 3p24.3.
Variant type: Microsatellite.
Coding change: c.1801CAG[9] on transcript NM_002971.6 (MANE Select); nine copies in a row of the 3-base unit CAG starting at c.1801; the reference has seven copies in a row; two copies, 6 bases duplicated.
Protein change: p.Gln607_Ala608insGlnGln.
Molecular consequence: inframe insertion.
Genome position (GRCh38, 1-based): chr3:18,349,641-18,349,646, CTGCTG duplicated on the plus strand (CAGCAG on the coding strand, the reverse complement: SATB1 is on the minus strand); duplicating any 6 consecutive bases within chr3:18,349,641-18,349,661 gives the same sequence; the position shown is the placement nearest the transcript's 3' end. VCF-style (leftmost placement, unchanged base first): chr3-18349640-C-CCTGCTG. GRCh37 (hg19) VCF-style: chr3-18391132-C-CCTGCTG.
Other names: c.1801CAG[9], p.Gln607_Ala608insGlnGln (NM_001131010.4, NM_001322872.2, NM_001322873.2 and 2 more transcripts); c.1897CAG[9], p.Gln639_Ala640insGlnGln (NM_001195470.3, NM_001322871.2); c.1585CAG[9], p.Gln535_Ala536insGlnGln (NM_001322876.2).
Identifiers: ClinVar variation 2385393 (VCV002385393.3), dbSNP rs759934751, ClinGen allele CA2281916.
Genomic context (GRCh38, chr3:18,349,640, plus strand): 5'-GCCGTGGGGGGAGCCGAGGGCCTGTCTGTGGCTGCTGCTGTGGCTGTGGAGGCGGCGGTG[C>CCTGCTG]CTGCTGCTGCTGCTGCTGCTGTTGCTGTTGCTGCTGCTGTTGCTGCAAAGAAACAAGGAG-3'

ClinVar aggregate classification (germline): Likely benign. Review status: criteria provided, multiple submitters, no conflicts (2 of 4 stars). 2 submissions from 2 submitters: Likely benign (2). Last evaluated 2026-09-01.

Conditions:
Inborn genetic diseases. Identifiers: MedGen C0950123, MeSH D030342.

Submissions (2):

CeGaT Center for Human Genetics Tuebingen
Classification: Likely benign. Last evaluated: 2026-09-01. Review status: criteria provided, single submitter. Criteria: CeGaT Center For Human Genetics Tuebingen Variant Classification Criteria Version 2. Collection method: clinical testing. Allele origin: germline. Affected: yes. Observed: 1 variant allele.
Comment: SATB1: BP3, BS2

Ambry Genetics
Classification: Likely benign for Inborn genetic diseases. Last evaluated: 2021-12-15. Review status: criteria provided, single submitter. Criteria: Ambry Variant Classification Scheme 2023. Collection method: clinical testing. Allele origin: germline.